The following is an entry in ClinVar:

NM_003238.6(TGFB2):c.655G>T (p.Gly219Ter)

Gene: TGFB2 (transforming growth factor beta 2; plus strand). Cytogenetic location: 1q41.
Variant type: single nucleotide variant.
Coding change: c.655G>T on transcript NM_003238.6 (MANE Select); coding-DNA position 655, G replaced by T.
Protein change: p.Gly219Ter; replaces glycine 219 with a stop codon.
Molecular consequence: nonsense. On other transcripts: non-coding transcript variant (2).
Genome position (GRCh38, 1-based): chr1:218,434,349, G>T. VCF-style: chr1-218434349-G-T. GRCh37 (hg19) VCF-style: chr1-218607691-G-T.
Other names: c.739G>T, p.Gly247Ter (NM_001135599.4); short protein forms G219*, G247*.
Identifiers: ClinVar variation 2002460 (VCV002002460.4), dbSNP rs2464865429, ClinGen allele CA344726745.

ClinVar aggregate classification (germline): Pathogenic (1 of 4 stars; one submission).

Conditions:
Loeys-Dietz syndrome 4 (LDS4). Also called: ANEURYSM, AORTIC AND CEREBRAL, WITH ARTERIAL TORTUOSITY AND SKELETAL MANIFESTATIONS; TGFB2-Related Loeys-Dietz Syndrome. Identifiers: OMIM 614816, MedGen C3553762, MONDO:0013897.

Submission:

Labcorp Genetics (formerly Invitae), Labcorp
Classification: Pathogenic for Loeys-Dietz syndrome 4. Last evaluated: 2022-06-04. Review status: criteria provided, single submitter. Criteria: Invitae Variant Classification Sherloc (09022015). Collection method: clinical testing. Allele origin: germline.
Comment: For these reasons, this variant has been classified as Pathogenic. This variant has not been reported in the literature in individuals affected with TGFB2-related conditions. This variant is not present in population databases (gnomAD no frequency). This sequence change creates a premature translational stop signal (p.Gly219*) in the TGFB2 gene. It is expected to result in an absent or disrupted protein product. Loss-of-function variants in TGFB2 are known to be pathogenic (PMID: 22772368, 22772371, 30739908).

Literature cited by the submitters: PubMed 22772368; PubMed 22772371; PubMed 30739908.